The following is an entry in ClinVar:

ClinVar aggregate classification (germline): Uncertain significance (1 of 4 stars; one submission).

Conditions:
Long QT syndrome (LQTS). Identifiers: MedGen C0023976, MeSH D008133, MONDO:0002442. Disease mechanism: loss of function. Inheritance: Various modes of inheritance.

Allele frequency attached by ClinVar (database versions not stated): gnomAD exomes below 0.00001; ExAC 0.00001.

Submission:

Labcorp Genetics (formerly Invitae), Labcorp
Classification: Uncertain significance for Long QT syndrome. Last evaluated: 2023-10-04. Review status: criteria provided, single submitter. Criteria: Invitae Variant Classification Sherloc (09022015). Collection method: clinical testing. Allele origin: germline.
Comment: This sequence change replaces glycine, which is neutral and non-polar, with arginine, which is basic and polar, at codon 244 of the ANK2 protein (p.Gly244Arg). This variant is present in population databases (rs759136608, gnomAD 0.003%). This variant has not been reported in the literature in individuals affected with ANK2-related conditions. Advanced modeling of protein sequence and biophysical properties (such as structural, functional, and spatial information, amino acid conservation, physicochemical variation, residue mobility, and thermodynamic stability) performed at Invitae indicates that this missense variant is not expected to disrupt ANK2 protein function. In summary, the available evidence is currently insufficient to determine the role of this variant in disease. Therefore, it has been classified as a Variant of Uncertain Significance.

NM_001148.6(ANK2):c.730G>A (p.Gly244Arg)

Gene: ANK2 (ankyrin 2; plus strand). Cytogenetic location: 4q26.
Variant type: single nucleotide variant.
Coding change: c.730G>A on transcript NM_001148.6 (MANE Select); coding-DNA position 730, G replaced by A.
Protein change: p.Gly244Arg; replaces glycine 244 with arginine.
Molecular consequence: missense variant.
Genome position (GRCh38, 1-based): chr4:113,240,521, G>A. VCF-style: chr4-113240521-G-A. GRCh37 (hg19) VCF-style: chr4-114161677-G-A.
Other names: c.667G>A, p.Gly223Arg (NM_001386143.1, NM_001354272.2, NM_001354257.2 and 14 more transcripts); c.643G>A, p.Gly215Arg (NM_001354277.2, NM_001386142.1, NM_001354249.2 and 16 more transcripts); c.688G>A, p.Gly230Arg (NM_001354261.2, NM_001386147.1, NM_001386160.1); c.730G>A, p.Gly244Arg (NM_001354258.2, NM_001354273.2, NM_001354225.2 and 9 more transcripts); c.775G>A, p.Gly259Arg (NM_001386144.1, NM_001354230.2, NM_001354231.2 and 5 more transcripts); c.718G>A, p.Gly240Arg (NM_001354269.3, NM_001386148.2, NM_001386186.2); c.781G>A, p.Gly261Arg (NM_001386174.1); c.757G>A, p.Gly253Arg (NM_001386175.1); and 1 more; short protein forms G223R, G232R, G215R, G230R, G240R, G244R, G259R, G261R.
Identifiers: ClinVar variation 2915212 (VCV002915212.3), dbSNP rs759136608, ClinGen allele CA3050102.